The following is an entry in ClinVar:

ClinVar aggregate classification (germline): Uncertain significance. Review status: criteria provided, multiple submitters, no conflicts (2 of 4 stars). 5 submissions from 4 submitters: Uncertain significance (3). 2 of the submissions do not count toward it. Last evaluated 2024-05-09.

Conditions:
Hereditary spastic paraplegia. Also called: Familial spastic paraparesis. Identifiers: Orphanet 685, MedGen C0037773, MONDO:0019064. Disease mechanism: loss of function.
Infantile-onset ascending hereditary spastic paralysis (IAHSP). Also called: Autosomal Recessive Juvenile Amyotrophic Lateral Sclerosis; Infantile-Onset Ascending Hereditary Spastic Paralysis (IAHSP). Identifiers: Orphanet 293168, MedGen C2931441, MONDO:0011797, OMIM 607225. Disease mechanism: loss of function.
Amyotrophic lateral sclerosis type 2, juvenile. Also called: ALS, JUVENILE; Amyotrophic lateral sclerosis type 2. Identifiers: Orphanet 300605, MedGen C1859807, MONDO:0008780, OMIM 205100.
Peripheral axonal neuropathy. Also called: Axonal neuropathy. Identifiers: MedGen C1263857, MONDO:0004183, HP:0003477.

Allele frequency attached by ClinVar (database versions not stated): TOPMed below 0.00001; gnomAD 0.00001; ExAC 0.00002; gnomAD exomes 0.00002.
gnomAD v4.1: 21 of 1,602,752 alleles (0.0013%); highest among the groups gnomAD compares: African/African-American, 0.0027%; no homozygotes.

Submissions (5):

Mayo Clinic Laboratories, Mayo Clinic
Classification: Uncertain significance. Last evaluated: 2024-05-09. Review status: criteria provided, single submitter. Criteria: ACMG Guidelines, 2015. Collection method: clinical testing. Allele origin: germline. Observed: 1 variant allele.
Comment: PM2

Labcorp Genetics (formerly Invitae), Labcorp
Classification: Uncertain significance for Infantile-onset ascending hereditary spastic paralysis. Last evaluated: 2022-04-07. Review status: criteria provided, single submitter. Criteria: Invitae Variant Classification Sherloc (09022015). Collection method: clinical testing. Allele origin: germline.
Comment: This variant has not been reported in the literature in individuals affected with ALS2-related conditions. ClinVar contains an entry for this variant (Variation ID: 374111). This sequence change replaces arginine, which is basic and polar, with histidine, which is basic and polar, at codon 1341 of the ALS2 protein (p.Arg1341His). This variant is present in population databases (rs761291489, gnomAD 0.006%). Algorithms developed to predict the effect of missense changes on protein structure and function are either unavailable or do not agree on the potential impact of this missense change (SIFT: "Deleterious"; PolyPhen-2: "Benign"; Align-GVGD: "Class C25"). In summary, the available evidence is currently insufficient to determine the role of this variant in disease. Therefore, it has been classified as a Variant of Uncertain Significance.

Genome Diagnostics Laboratory, The Hospital for Sick Children
Classification: Uncertain significance for Hereditary spastic paraplegia. Last evaluated: 2021-06-18. Review status: criteria provided, single submitter. Criteria: ACMG Guidelines, 2015. Collection method: clinical testing. Allele origin: germline. Affected: yes.

Centre for Mendelian Genomics, University Medical Centre Ljubljana
Classification: Likely pathogenic for Amyotrophic lateral sclerosis type 2, juvenile. Last evaluated: 2016-01-01. Review status: flagged submission. Criteria: ACMG Guidelines, 2015. Collection method: clinical testing. Allele origin: unknown. Affected: yes. Not counted in ClinVar's aggregate classification.
Comment: This variant was classified as: Likely pathogenic.
ClinVar note: Reason: Claim with insufficient supporting evidence

Centre for Mendelian Genomics, University Medical Centre Ljubljana
Classification: Likely pathogenic for Neuropathy, axonal. Last evaluated: 2015-03-12. Review status: flagged submission. Criteria: ACMG Guidelines, 2015. Collection method: clinical testing. Allele origin: unknown. Affected: yes. Not counted in ClinVar's aggregate classification.
ClinVar note: Reason: Claim with insufficient supporting evidence

Literature cited by the submitters: PubMed 31589614 (cited by Mayo Clinic Laboratories, Mayo Clinic).

NM_020919.4(ALS2):c.4022G>A (p.Arg1341His)

Gene: ALS2 (alsin Rho guanine nucleotide exchange factor ALS2; minus strand). Cytogenetic location: 2q33.1.
Variant type: single nucleotide variant.
Coding change: c.4022G>A on transcript NM_020919.4 (MANE Select); coding-DNA position 4022, G replaced by A.
Protein change: p.Arg1341His; replaces arginine 1341 with histidine.
Molecular consequence: missense variant.
Genome position (GRCh38, 1-based): chr2:201,711,091, C>T on the plus strand (G>A on the coding strand, the complement: ALS2 is on the minus strand). VCF-style: chr2-201711091-C-T. GRCh37 (hg19) VCF-style: chr2-202575814-C-T.
Other names: p.Arg1341His; short protein forms R1341H.
Identifiers: ClinVar variation 374111 (VCV000374111.16), dbSNP rs761291489, ClinGen allele CA2057682.